The following is an entry in ClinVar:

ClinVar aggregate classification (germline): Benign/Likely benign. Review status: criteria provided, multiple submitters, no conflicts (2 of 4 stars). 4 submissions from 4 submitters: Benign (2); Likely benign (2). Last evaluated 2026-07-01.

Allele frequency attached by ClinVar (database versions not stated): ExAC 0.00068; gnomAD exomes 0.00069; gnomAD 0.00071 and 0.00078; TOPMed 0.00082; ESP Exome Variant Server 0.00092; 1000 Genomes Project 30x 0.00125; 1000 Genomes Project 0.00160.
gnomAD v4.1: 1,719 of 1,614,032 alleles (0.11%); highest among the groups gnomAD compares: Non-Finnish European, 0.13%; 5 homozygotes.

Submissions (4):

CeGaT Center for Human Genetics Tuebingen
Classification: Likely benign. Last evaluated: 2026-07-01. Review status: criteria provided, single submitter. Criteria: CeGaT Center For Human Genetics Tuebingen Variant Classification Criteria Version 2. Collection method: clinical testing. Allele origin: germline. Affected: yes. Observed: 7 variant alleles.
Comment: GRM1: BP4, BP7

Labcorp Genetics (formerly Invitae), Labcorp
Classification: Benign. Last evaluated: 2025-09-10. Review status: criteria provided, single submitter. Criteria: Invitae Variant Classification Sherloc (09022015). Collection method: clinical testing. Allele origin: germline.

Athena Diagnostics
Classification: Benign. Last evaluated: 2025-03-18. Review status: criteria provided, single submitter. Criteria: Athena Diagnostics Criteria. Collection method: clinical testing. Allele origin: unknown.
Comment: The frequency of this variant in the general population is higher than would generally be expected for pathogenic variants in this gene. Computational tools yielded predictions that this variant is unlikely to have an effect on normal RNA splicing. This nucleotide position exhibits low evolutionary conservation.

Blueprint Genetics
Classification: Likely benign. Last evaluated: 2024-10-17. Review status: criteria provided, single submitter. Criteria: ACMG Guidelines, 2015. Collection method: clinical testing. Allele origin: germline.

Literature cited by the submitters: PubMed 22448230 (cited by Athena Diagnostics).

NM_001278064.2(GRM1):c.444C>G (p.Pro148=)

Gene: GRM1 (glutamate metabotropic receptor 1; plus strand). Cytogenetic location: 6q24.3.
Variant type: single nucleotide variant.
Coding change: c.444C>G on transcript NM_001278064.2 (MANE Select); coding-DNA position 444, C replaced by G.
Protein change: p.Pro148=; no amino-acid change (proline 148 retained).
Molecular consequence: synonymous variant.
Genome position (GRCh38, 1-based): chr6:146,029,961, C>G. VCF-style: chr6-146029961-C-G. GRCh37 (hg19) VCF-style: chr6-146351097-C-G.
Other names: c.444C>G, p.Pro148= (NM_001278065.2, NM_001278066.1, NM_001278067.1).
Identifiers: ClinVar variation 585965 (VCV000585965.36), dbSNP rs138794480, ClinGen allele CA4037060.